The following is an entry in ClinVar:

ClinVar aggregate classification (germline): Uncertain significance. Review status: criteria provided, multiple submitters, no conflicts (2 of 4 stars). 2 submissions from 2 submitters: Uncertain significance (2). Last evaluated 2023-11-27.

Conditions:
Dilated cardiomyopathy 1DD (CMD1DD). Identifiers: Orphanet 154, MedGen C2750995, MONDO:0013168, OMIM 613172.
Cardiovascular phenotype. Identifiers: MedGen CN230736.

Submissions (2):

Labcorp Genetics (formerly Invitae), Labcorp
Classification: Uncertain significance for Dilated cardiomyopathy 1DD. Last evaluated: 2023-11-27. Review status: criteria provided, single submitter. Criteria: Invitae Variant Classification Sherloc (09022015). Collection method: clinical testing. Allele origin: germline.
Comment: This sequence change replaces valine, which is neutral and non-polar, with methionine, which is neutral and non-polar, at codon 520 of the RBM20 protein (p.Val520Met). This variant is not present in population databases (gnomAD no frequency). This variant has not been reported in the literature in individuals affected with RBM20-related conditions. ClinVar contains an entry for this variant (Variation ID: 1010908). Advanced modeling of protein sequence and biophysical properties (such as structural, functional, and spatial information, amino acid conservation, physicochemical variation, residue mobility, and thermodynamic stability) performed at Invitae indicates that this missense variant is not expected to disrupt RBM20 protein function with a negative predictive value of 95%. In summary, the available evidence is currently insufficient to determine the role of this variant in disease. Therefore, it has been classified as a Variant of Uncertain Significance.

Ambry Genetics
Classification: Uncertain significance for Cardiovascular phenotype. Last evaluated: 2022-03-23. Review status: criteria provided, single submitter. Criteria: Ambry Variant Classification Scheme 2023. Collection method: clinical testing. Allele origin: germline.
Comment: The p.V520M variant (also known as c.1558G>A), located in coding exon 6 of the RBM20 gene, results from a G to A substitution at nucleotide position 1558. The valine at codon 520 is replaced by methionine, an amino acid with highly similar properties. This amino acid position is conserved. In addition, the in silico prediction for this alteration is inconclusive. Since supporting evidence is limited at this time, the clinical significance of this alteration remains unclear.

NM_001134363.3(RBM20):c.1558G>A (p.Val520Met)

Gene: RBM20 (RNA binding motif protein 20; plus strand). Cytogenetic location: 10q25.2.
Variant type: single nucleotide variant.
Coding change: c.1558G>A on transcript NM_001134363.3 (MANE Select); coding-DNA position 1558, G replaced by A.
Protein change: p.Val520Met; replaces valine 520 with methionine.
Molecular consequence: missense variant.
Genome position (GRCh38, 1-based): chr10:110,797,538, G>A. VCF-style: chr10-110797538-G-A. GRCh37 (hg19) VCF-style: chr10-112557296-G-A.
Other names: short protein forms V520M.
Identifiers: ClinVar variation 1010908 (VCV001010908.11), dbSNP rs1844567016, ClinGen allele CA378389990.